The following is an entry in ClinVar:

ClinVar aggregate classification (germline): Benign/Likely benign. Review status: criteria provided, multiple submitters, no conflicts (2 of 4 stars). 7 submissions from 7 submitters: Benign (2); Likely benign (2). 3 of the submissions do not count toward it. Last evaluated 2026-10-01.

Conditions:
Spastic paraplegia, intellectual disability, nystagmus, and obesity. Also called: Spastic paraplegia, intellectual disability, nystagmus, and obesity;. Identifiers: Orphanet 521390, MedGen C4284592, MONDO:0015007, OMIM 617296.
Ventriculomegaly and arthrogryposis. Identifiers: MedGen C5561973, MONDO:0859184, OMIM 619501.

Allele frequency attached by ClinVar (database versions not stated): 1000 Genomes Project 30x 0.00156; gnomAD 0.00180 and 0.00195; TOPMed 0.00187; 1000 Genomes Project 0.00200; ESP Exome Variant Server 0.00250; gnomAD exomes 0.00260 and 0.00309; ExAC 0.00369.
gnomAD v4.1: 4,094 of 1,613,784 alleles (0.25%); highest among the groups gnomAD compares: Middle Eastern, 0.96%; 17 homozygotes.

Submissions (7):

CeGaT Center for Human Genetics Tuebingen
Classification: Likely benign. Last evaluated: 2026-10-01. Review status: criteria provided, single submitter. Criteria: CeGaT Center For Human Genetics Tuebingen Variant Classification Criteria Version 2. Collection method: clinical testing. Allele origin: germline. Affected: yes. Observed: 20 variant alleles.
Comment: KIDINS220: BP4, BS2

Labcorp Genetics (formerly Invitae), Labcorp
Classification: Benign. Last evaluated: 2026-01-24. Review status: criteria provided, single submitter. Criteria: Invitae Variant Classification Sherloc (09022015). Collection method: clinical testing. Allele origin: germline.

Fulgent Genetics
Classification: Likely benign for Spastic paraplegia, intellectual disability, nystagmus, and obesity; Ventriculomegaly and arthrogryposis. Last evaluated: 2021-09-27. Review status: criteria provided, single submitter. Criteria: ACMG Guidelines, 2015. Collection method: clinical testing. Allele origin: unknown.

Genetic Services Laboratory, University of Chicago
Classification: Benign. Last evaluated: 2021-03-15. Review status: criteria provided, single submitter. Criteria: ACMG Guidelines, 2015. Collection method: clinical testing. Allele origin: germline. Affected: no.

Clinical Genetics DNA and cytogenetics Diagnostics Lab, Erasmus MC, Erasmus Medical Center
Classification: Likely benign. Review status: no assertion criteria provided. Collection method: clinical testing. Allele origin: germline. Affected: yes. Study: VKGL Data-share Consensus. Not counted in ClinVar's aggregate classification.

Genome Diagnostics Laboratory, University Medical Center Utrecht
Classification: Likely benign. Review status: no assertion criteria provided. Collection method: clinical testing. Allele origin: germline. Affected: yes. Study: VKGL Data-share Consensus. Not counted in ClinVar's aggregate classification.

Laboratory of Diagnostic Genome Analysis, Leiden University Medical Center (LUMC)
Classification: Likely benign. Review status: no assertion criteria provided. Collection method: clinical testing. Allele origin: germline. Affected: yes. Study: VKGL Data-share Consensus. Not counted in ClinVar's aggregate classification.

NM_020738.4(KIDINS220):c.3586-7T>C

Gene: KIDINS220 (kinase D interacting substrate 220; minus strand). Cytogenetic location: 2p25.1.
Variant type: single nucleotide variant.
Coding change: c.3586-7T>C on transcript NM_020738.4 (MANE Select); 7 bases into the intron before coding-DNA position 3586, T replaced by C.
Genome position (GRCh38, 1-based): chr2:8,737,006, A>G on the plus strand (T>C on the coding strand, the complement: KIDINS220 is on the minus strand). VCF-style: chr2-8737006-A-G. GRCh37 (hg19) VCF-style: chr2-8877136-A-G.
Other names: c.3415-7T>C (NM_001348741.2, NM_001348742.2, NM_001348743.2 and 1 more transcripts); c.3529-7T>C (NM_001348738.2, NM_001348732.2); c.3418-7T>C (NM_001348739.2, NM_001348740.2, NM_001348734.2); c.3532-7T>C (NM_001348731.2); c.3589-7T>C (NM_001348729.2); c.3289-7T>C (NM_001348736.2).
Identifiers: ClinVar variation 789266 (VCV000789266.46), dbSNP rs139887022, ClinGen allele CA1519574.